The following is an entry in ClinVar:

NM_003072.5(SMARCA4):c.4570G>A (p.Asp1524Asn)

Gene: SMARCA4 (SWI/SNF related BAF chromatin remodeling complex subunit ATPase 4; plus strand). Cytogenetic location: 19p13.2.
Variant type: single nucleotide variant.
Coding change: c.4570G>A on transcript NM_003072.5 (MANE Select); coding-DNA position 4570, G replaced by A.
Protein change: p.Asp1524Asn; replaces aspartic acid 1524 with asparagine.
Molecular consequence: missense variant. On other transcripts: non-coding transcript variant (1).
Genome position (GRCh38, 1-based): chr19:11,058,824, G>A. VCF-style: chr19-11058824-G-A. GRCh37 (hg19) VCF-style: chr19-11169500-G-A.
Other names: c.4480G>A, p.Asp1494Asn (NM_001128845.2); c.4477G>A, p.Asp1493Asn (NM_001128846.2); c.4471G>A, p.Asp1491Asn (NM_001128847.4, NM_001374457.1); c.4468G>A, p.Asp1490Asn (NM_001128848.2); c.4666G>A, p.Asp1556Asn (NM_001128849.3); c.4570G>A, p.Asp1524Asn (NM_001128844.3); short protein forms D1493N, D1524N, D1494N, D1490N, D1491N, D1556N.
Identifiers: ClinVar variation 941221 (VCV000941221.18), dbSNP rs2076693372, ClinGen allele CA404078829.

ClinVar aggregate classification (germline): Conflicting classifications of pathogenicity. Review status: criteria provided, conflicting classifications (1 of 4 stars). 5 submissions from 5 submitters: Uncertain significance (4); Likely benign (1). Last evaluated 2024-12-16.

Conditions:
SMARCA4-related disorder. Also called: SMARCA4-related condition.
Intellectual disability, autosomal dominant 16 (CSS4). Also called: COFFIN-SIRIS SYNDROME 4. Identifiers: Orphanet 1465, MedGen C3553249, MONDO:0013821, OMIM 614609.
Rhabdoid tumor predisposition syndrome 2 (RTPS2). Identifiers: Orphanet 231108, Orphanet 69077, MedGen C2750074, MONDO:0013224, OMIM 613325.
Hereditary cancer-predisposing syndrome. Also called: Neoplastic Syndromes, Hereditary; Hereditary Cancer Syndrome; Tumor predisposition; Hereditary neoplastic syndrome. Identifiers: Orphanet 140162, MedGen C0027672, MeSH D009386, MONDO:0015356.

Allele frequency attached by ClinVar (database versions not stated): gnomAD exomes below 0.00001.
gnomAD v4.1: 1 of 1,614,102 alleles (0.000062%); highest among the groups gnomAD compares: East Asian, 0.0022%; no homozygotes.

Submissions (5):

Labcorp Genetics (formerly Invitae), Labcorp
Classification: Uncertain significance for Rhabdoid tumor predisposition syndrome 2. Last evaluated: 2024-12-16. Review status: criteria provided, single submitter. Criteria: Invitae Variant Classification Sherloc (09022015). Collection method: clinical testing. Allele origin: germline.
Comment: This sequence change replaces aspartic acid, which is acidic and polar, with asparagine, which is neutral and polar, at codon 1556 of the SMARCA4 protein (p.Asp1556Asn). This variant is not present in population databases (gnomAD no frequency). This variant has not been reported in the literature in individuals affected with SMARCA4-related conditions. ClinVar contains an entry for this variant (Variation ID: 941221). Invitae Evidence Modeling of protein sequence and biophysical properties (such as structural, functional, and spatial information, amino acid conservation, physicochemical variation, residue mobility, and thermodynamic stability) has been performed for this missense variant. However, the output from this modeling did not meet the statistical confidence thresholds required to predict the impact of this variant on SMARCA4 protein function. In summary, the available evidence is currently insufficient to determine the role of this variant in disease. Therefore, it has been classified as a Variant of Uncertain Significance.

PreventionGenetics, part of Exact Sciences
Classification: Uncertain significance for SMARCA4-related condition. Last evaluated: 2024-10-26. Review status: criteria provided, single submitter. Criteria: ACMG Guidelines, 2015. Collection method: clinical testing. Allele origin: germline.
Comment: The SMARCA4 c.4666G>A variant is predicted to result in the amino acid substitution p.Asp1556Asn. To our knowledge, this variant has not been reported in the literature or in a large population database (gnomAD), indicating this variant is rare. At this time, the clinical significance of this variant is uncertain due to the absence of conclusive functional and genetic evidence.

Ambry Genetics
Classification: Likely benign for Hereditary cancer-predisposing syndrome. Last evaluated: 2024-03-19. Review status: criteria provided, single submitter. Criteria: Ambry Variant Classification Scheme 2023. Collection method: clinical testing. Allele origin: germline.

GeneDx
Classification: Uncertain significance. Last evaluated: 2023-12-18. Review status: criteria provided, single submitter. Criteria: GeneDx Variant Classification Process June 2021. Collection method: clinical testing. Allele origin: germline. Affected: yes.
Comment: Not observed at significant frequency in large population cohorts (gnomAD); In silico analysis supports that this missense variant has a deleterious effect on protein structure/function; Has not been previously published as pathogenic or benign to our knowledge; This variant is associated with the following publications: (PMID: 24658002)

Genome-Nilou Lab
Classification: Uncertain significance for Intellectual disability, autosomal dominant 16. Last evaluated: 2021-07-15. Review status: criteria provided, single submitter. Criteria: ACMG Guidelines, 2015. Collection method: clinical testing. Allele origin: germline. Affected: no.